The following is an entry in ClinVar:

NM_080680.3(COL11A2):c.4612G>C (p.Gly1538Arg)

Gene: COL11A2 (collagen type XI alpha 2 chain; minus strand). Cytogenetic location: 6p21.32.
Variant type: single nucleotide variant.
Coding change: c.4612G>C on transcript NM_080680.3 (MANE Select); coding-DNA position 4612, G replaced by C.
Protein change: p.Gly1538Arg; replaces glycine 1538 with arginine.
Molecular consequence: missense variant.
Genome position (GRCh38, 1-based): chr6:33,165,687, C>G on the plus strand (G>C on the coding strand, the complement: COL11A2 is on the minus strand). VCF-style: chr6-33165687-C-G. GRCh37 (hg19) VCF-style: chr6-33133464-C-G.
Other names: c.4291G>C, p.Gly1431Arg (NM_080679.3); c.4354G>C, p.Gly1452Arg (NM_080681.3); short protein forms G1431R, G1452R, G1538R.
Identifiers: ClinVar variation 2573974 (VCV002573974.2), dbSNP rs745996561, ClinGen allele CA3750037.

ClinVar aggregate classification (germline): Uncertain significance (1 of 4 stars; one submission).

gnomAD v4.1: 3 of 1,611,474 alleles (0.00019%); highest among the groups gnomAD compares: South Asian, 0.0011%; no homozygotes.

Submission:

GeneDx
Classification: Uncertain significance. Last evaluated: 2026-03-06. Review status: criteria provided, single submitter. Criteria: GeneDx Variant Classification Process June 2021. Collection method: clinical testing. Allele origin: germline.
Comment: Not observed at significant frequency in large population cohorts (gnomAD); In silico analysis suggests that this missense variant does not alter protein structure/function; Has not been previously published as pathogenic or benign to our knowledge